The following is an entry in ClinVar:

ClinVar aggregate classification (germline): Pathogenic. Review status: criteria provided, multiple submitters, no conflicts (2 of 4 stars). 2 submissions from 2 submitters: Pathogenic (2). Last evaluated 2026-01-20.

Conditions:
Hereditary cancer-predisposing syndrome. Also called: Tumor predisposition; Hereditary Cancer Syndrome; Hereditary neoplastic syndrome; Neoplastic Syndromes, Hereditary. Identifiers: Orphanet 140162, MedGen C0027672, MeSH D009386, MONDO:0015356.
Familial adenomatous polyposis 1 (FAP1). Also called: FAMILIAL ADENOMATOUS POLYPOSIS 1, ATTENUATED; POLYPOSIS, ADENOMATOUS INTESTINAL. Identifiers: MedGen C2713442, MONDO:0021056, OMIM 175100. Disease mechanism: loss of function.

Submissions (2):

Ambry Genetics
Classification: Pathogenic for Hereditary cancer-predisposing syndrome. Last evaluated: 2026-01-20. Review status: criteria provided, single submitter. Criteria: Ambry Variant Classification Scheme 2023. Collection method: clinical testing. Allele origin: germline.
Comment: The c.2448dupT (p.G817Wfs*27) alteration, located in exon 16 (coding exon 15) of the APC gene, consists of a duplication of T at position 2448, causing a translational frameshift with a predicted alternate stop codon after 27 amino acids. This variant occurs at the 3' terminus of the APC gene, is not expected to trigger nonsense-mediated mRNA decay, and impacts the last 71% of the protein. However, premature stop codons are typically deleterious in nature, the impacted region is critical for protein function, and a significant portion of the protein is affected (Ambry internal data). This variant was not reported in population-based cohorts in the Genome Aggregation Database (gnomAD). In a large (n=1591) series of patients referred for APC testing, this variant was detected in one individual (Kerr, 2013). Based on the available evidence, this alteration is classified as pathogenic.

Myriad Genetics, Inc.
Classification: Pathogenic for Familial adenomatous polyposis 1. Last evaluated: 2023-05-04. Review status: criteria provided, single submitter. Criteria: Myriad Autosomal Dominant, Autosomal Recessive and X-Linked Classification Criteria (2023). Collection method: clinical testing. Allele origin: unknown.
Comment: This variant is considered pathogenic. This variant creates a frameshift predicted to result in premature protein truncation.

Literature cited by the submitters: PubMed 23159591 (cited by Ambry Genetics).

NM_000038.6(APC):c.2448dup (p.Gly817fs)

Gene: APC (APC regulator of Wnt signaling pathway; plus strand). Cytogenetic location: 5q22.2.
Variant type: Duplication.
Coding change: c.2448dup on transcript NM_000038.6 (MANE Select); coding-DNA position 2448, one base duplicated (T; older notation c.2448dupT).
Protein change: p.Gly817fs; shifts the reading frame from glycine 817.
Molecular consequence: frameshift variant.
Genome position (GRCh38, 1-based): chr5:112,838,042, T duplicated. VCF-style (leftmost placement, unchanged base first): chr5-112838041-C-CT. GRCh37 (hg19) VCF-style: chr5-112173738-C-CT.
Other names: c.2448dup, p.Gly817fs (NM_001127510.3, NM_001354895.2); c.2394dup, p.Gly799fs (NM_001127511.3); c.2502dup, p.Gly835fs (NM_001354896.2); c.2478dup, p.Gly827fs (NM_001354897.2); c.2373dup, p.Gly792fs (NM_001354898.2); c.2364dup, p.Gly789fs (NM_001354899.2); c.2325dup, p.Gly776fs (NM_001354900.2); c.2271dup, p.Gly758fs (NM_001354901.2); and 16 more; short protein forms G835fs, G726fs, G534fs, G657fs, G776fs, G789fs, G792fs, G799fs.
Identifiers: ClinVar variation 1791422 (VCV001791422.4), dbSNP rs2533422611, ClinGen allele CA2580072629.